The following is an entry in ClinVar:

NM_001377265.1(MAPT):c.1632C>A (p.Ala544=)

Gene: MAPT (microtubule associated protein tau). Cytogenetic location: 17q21.31.
Variant type: single nucleotide variant.
Coding change: c.1632C>A on transcript NM_001377265.1 (MANE Select); coding-DNA position 1632, C replaced by A.
Protein change: p.Ala544=; no amino-acid change (alanine 544 retained).
Molecular consequence: synonymous variant. On other transcripts: non-coding transcript variant (1).
Genome position (GRCh38, 1-based): chr17:45,991,486, C>A. VCF-style: chr17-45991486-C-A. GRCh37 (hg19) VCF-style: chr17-44068852-C-A.
Other names: c.1407C>A, p.Ala469= (NM_001123066.4, NM_016835.5); c.369C>A, p.Ala123= (NM_001123067.4, NM_001203251.2, NM_001377267.1); c.456C>A, p.Ala152= (NM_001203252.2, NM_005910.6); c.1434C>A, p.Ala478= (NM_001377266.1); c.282C>A, p.Ala94= (NM_001377268.1, NM_016834.5, NM_016841.5); c.1407C>A (NM_001123066.3).
Identifiers: ClinVar variation 891264 (VCV000891264.16), dbSNP rs757701420, ClinGen allele CA8617964.

ClinVar aggregate classification (germline): Likely benign. Review status: criteria provided, multiple submitters, no conflicts (2 of 4 stars). 4 submissions from 4 submitters: Likely benign (4). Last evaluated 2025-09-01.

Conditions:
MAPT-related disorder. Also called: MAPT-Related Disorders; MAPT-related condition.
MAPT-Related Spectrum Disorders.
Frontotemporal dementia (FTD1). Also called: Frontotemporal Dementia with Parkinsonism-17 (FTDP-17); MULTIPLE SYSTEM TAUOPATHY WITH PRESENILE DEMENTIA; Frontotemporal lobe dementia (FLDEM); WILHELMSEN-LYNCH DISEASE; Dementia, frontotemporal, with or without parkinsonism; FRONTOTEMPORAL LOBAR DEGENERATION WITH TAU INCLUSIONS. Identifiers: Orphanet 282, MedGen C0338451, MONDO:0017276, OMIM 600274, HP:0002145.

Allele frequency attached by ClinVar (database versions not stated): gnomAD 0.00002; ExAC 0.00002; TOPMed 0.00002.
gnomAD v4.1: 16 of 1,614,110 alleles (0.00099%); highest among the groups gnomAD compares: Non-Finnish European, 0.0014%; no homozygotes.

Submissions (4):

CeGaT Center for Human Genetics Tuebingen
Classification: Likely benign. Last evaluated: 2025-09-01. Review status: criteria provided, single submitter. Criteria: CeGaT Center For Human Genetics Tuebingen Variant Classification Criteria Version 2. Collection method: clinical testing. Allele origin: germline. Affected: yes. Observed: 1 variant allele.
Comment: MAPT: BP4, BP7

PreventionGenetics, part of Exact Sciences
Classification: Likely benign for MAPT-related condition. Last evaluated: 2025-07-02. Review status: criteria provided, single submitter. Criteria: ACMG Guidelines, 2015. Collection method: clinical testing. Allele origin: germline.
Comment: This variant is classified as likely benign based on ACMG/AMP sequence variant interpretation guidelines (Richards et al. 2015 PMID: 25741868, with internal and published modifications).

Labcorp Genetics (formerly Invitae), Labcorp
Classification: Likely benign for Frontotemporal dementia. Last evaluated: 2023-04-18. Review status: criteria provided, single submitter. Criteria: Invitae Variant Classification Sherloc (09022015). Collection method: clinical testing. Allele origin: germline.

Illumina Laboratory Services, Illumina
Classification: Likely benign for MAPT-Related Spectrum Disorders. Last evaluated: 2018-01-13. Review status: criteria provided, single submitter. Criteria: ICSL Variant Classification Criteria 13 December 2019. Collection method: clinical testing. Allele origin: germline.
Comment: This variant was observed in the ICSL laboratory as part of a predisposition screen in an ostensibly healthy population. It had not been previously curated by ICSL or reported in the Human Gene Mutation Database (HGMD: prior to June 1st, 2018), and was therefore a candidate for classification through an automated scoring system. Utilizing variant allele frequency, disease prevalence and penetrance estimates, and inheritance mode, an automated score was calculated to assess if this variant is too frequent to cause the disease. Based on the score and internal cut-off values, a variant classified as likely benign is not then subjected to further curation. The score for this variant resulted in a classification of likely benign for this disease.